The following is an entry in ClinVar:

NM_022168.4(IFIH1):c.1996C>T (p.Pro666Ser)

Gene: IFIH1 (interferon induced with helicase C domain 1; minus strand). Cytogenetic location: 2q24.2.
Variant type: single nucleotide variant.
Coding change: c.1996C>T on transcript NM_022168.4 (MANE Select); coding-DNA position 1996, C replaced by T.
Protein change: p.Pro666Ser; replaces proline 666 with serine.
Molecular consequence: missense variant.
Genome position (GRCh38, 1-based): chr2:162,277,463, G>A on the plus strand (C>T on the coding strand, the complement: IFIH1 is on the minus strand). VCF-style: chr2-162277463-G-A. GRCh37 (hg19) VCF-style: chr2-163133973-G-A.
Other names: c.1996C>T, p.Pro666Ser (LRG_1235t1); short protein forms P666S.
Identifiers: ClinVar variation 570847 (VCV000570847.33), dbSNP rs376074455, ClinGen allele CA1934337.

ClinVar aggregate classification (germline): Likely benign. Review status: criteria provided, multiple submitters, no conflicts (2 of 4 stars). 2 submissions from 2 submitters: Likely benign (2). Last evaluated 2025-12-02.

Conditions:
Aicardi-Goutieres syndrome 7 (AGS7). Identifiers: Orphanet 51, MedGen C3888244, MONDO:0014367, OMIM 615846.
Singleton-Merten syndrome 1 (SGMRT1). Also called: Widened medullary cavities of bone, aortic calcification, abnormal dentition, and muscular weakness; Syndrome of widened medullary cavities of the metacarpals and phalanges, aortic calcification and abnormal dentition. Identifiers: Orphanet 85191, MedGen C4225427, MONDO:0024535, OMIM 182250.

Allele frequency attached by ClinVar (database versions not stated): TOPMed 0.00001.
gnomAD v4.1: 33 of 1,608,496 alleles (0.0021%); highest among the groups gnomAD compares: Middle Eastern, 0.016%; no homozygotes.

Submissions (2):

Labcorp Genetics (formerly Invitae), Labcorp
Classification: Likely benign for Aicardi-Goutieres syndrome 7; Singleton-Merten syndrome 1. Last evaluated: 2025-12-02. Review status: criteria provided, single submitter. Criteria: Invitae Variant Classification Sherloc (09022015). Collection method: clinical testing. Allele origin: germline.

CeGaT Center for Human Genetics Tuebingen
Classification: Likely benign. Last evaluated: 2022-04-01. Review status: criteria provided, single submitter. Criteria: CeGaT Center For Human Genetics Tuebingen Variant Classification Criteria Version 2. Collection method: clinical testing. Allele origin: germline. Affected: yes. Observed: 1 variant allele.
Comment: IFIH1: BP4